The following is an entry in ClinVar:

NM_001276270.2(MBD4):c.1040A>T (p.Lys347Met)

Gene: MBD4 (methyl-CpG binding domain 4, DNA glycosylase; minus strand). Cytogenetic location: 3q21.3.
Variant type: single nucleotide variant.
Coding change: c.1040A>T on transcript NM_001276270.2 (MANE Select); coding-DNA position 1040, A replaced by T.
Protein change: p.Lys347Met; replaces lysine 347 with methionine.
Molecular consequence: missense variant. On other transcripts: intron variant (1).
Genome position (GRCh38, 1-based): chr3:129,436,604, T>A on the plus strand (A>T on the coding strand, the complement: MBD4 is on the minus strand). VCF-style: chr3-129436604-T-A. GRCh37 (hg19) VCF-style: chr3-129155447-T-A.
Other names: c.1040A>T, p.Lys347Met (NM_001276271.2, NM_001276272.2, NM_003925.3); c.247+1204A>T (NM_001276273.2); short protein forms K347M.
Identifiers: ClinVar variation 4859572 (VCV004859572.1).
Genomic context (GRCh38, chr3:129,436,604, plus strand): 5'-CTTTCCACAACTTCTACTTTTGTTCCGATTTCTTCAGATTCTAAAAAGGTATCCTCATAC[T>A]TCTCGTTGTGTTCTGAGTCTTTGGCTGAACAAAATTTGTTTATGATGCCAGAAGTTTTTT-3'
Protein context (NP_001263199.1, residues 337-357): CSAKDSEHNE[Lys347Met]YEDTFLESEE

ClinVar aggregate classification (germline): Uncertain significance (1 of 4 stars; one submission).

Conditions:
Inborn genetic diseases. Identifiers: MedGen C0950123, MeSH D030342.

Submission:

Ambry Genetics
Classification: Uncertain significance for Inborn genetic diseases. Last evaluated: 2026-04-02. Review status: criteria provided, single submitter. Criteria: Ambry Variant Classification Scheme 2023. Collection method: clinical testing. Allele origin: germline.
Comment: The p.K347M variant (also known as c.1040A>T), located in coding exon 3 of the MBD4 gene, results from an A to T substitution at nucleotide position 1040. The lysine at codon 347 is replaced by methionine, an amino acid with similar properties. This amino acid position is conserved. In addition, the in silico prediction for this alteration is inconclusive. Based on the available evidence, the clinical significance of this variant remains unclear.